The following is an entry in ClinVar:

NM_001104631.2(PDE4D):c.959C>G (p.Ser320Cys)

Gene: PDE4D (phosphodiesterase 4D; minus strand). Cytogenetic location: 5q11.2.
Variant type: single nucleotide variant.
Coding change: c.959C>G on transcript NM_001104631.2 (MANE Select); coding-DNA position 959, C replaced by G.
Protein change: p.Ser320Cys; replaces serine 320 with cysteine.
Molecular consequence: missense variant.
Genome position (GRCh38, 1-based): chr5:58,993,428, G>C on the plus strand (C>G on the coding strand, the complement: PDE4D is on the minus strand). VCF-style: chr5-58993428-G-C. GRCh37 (hg19) VCF-style: chr5-58289255-G-C.
Other names: c.776C>G, p.Ser259Cys (NM_001165899.2, NM_001364599.1); c.767C>G, p.Ser256Cys (NM_001197218.2); c.593C>G, p.Ser198Cys (NM_001197219.2); c.569C>G, p.Ser190Cys (NM_001197220.2); c.53C>G, p.Ser18Cys (NM_001197221.2, NM_001364603.1); c.287C>G, p.Ser96Cys (NM_001197222.2); c.86C>G, p.Ser29Cys (NM_001197223.2); c.746C>G, p.Ser249Cys (NM_001349241.2); and 3 more; short protein forms S184C, S18C, S190C, S198C, S210C, S249C, S256C, S259C.
Identifiers: ClinVar variation 3236082 (VCV003236082.1), dbSNP rs2479493031, ClinGen allele CA359818100.

ClinVar aggregate classification (germline): Uncertain significance (1 of 4 stars; one submission).

Conditions:
Acrodysostosis 2 with or without hormone resistance. Also called: ACRODYSOSTOSIS 2 WITH HORMONE RESISTANCE; ACRODYSOSTOSIS 2 WITHOUT HORMONE RESISTANCE. Identifiers: Orphanet 280651, MedGen C3553250, MONDO:0013822, OMIM 614613.

Submission:

MVZ Medizinische Genetik Mainz
Classification: Uncertain significance for Acrodysostosis 2 with or without hormone resistance. Last evaluated: 2023-11-02. Review status: criteria provided, single submitter. Criteria: UK Practice Guidelines For Variant Classification V4 01 2020. Collection method: clinical testing. Allele origin: germline. Inheritance: Autosomal dominant inheritance. Affected: yes. Observed: 1 variant allele.
Comment: ACMG Criteria: PM2_SUP,PP2,PP3